The following is an entry in ClinVar:

ClinVar aggregate classification (germline): Uncertain significance. Review status: criteria provided, multiple submitters, no conflicts (2 of 4 stars). 2 submissions from 2 submitters: Uncertain significance (2). Last evaluated 2024-11-19.

Conditions:
Hereditary cancer-predisposing syndrome. Also called: Hereditary Cancer Syndrome; Hereditary neoplastic syndrome; Tumor predisposition; Neoplastic Syndromes, Hereditary. Identifiers: Orphanet 140162, MedGen C0027672, MeSH D009386, MONDO:0015356.
Cardiovascular phenotype. Identifiers: MedGen CN230736.

Submissions (2):

Ambry Genetics
Classification: Uncertain significance for Cardiovascular phenotype; Hereditary cancer-predisposing syndrome. Last evaluated: 2024-11-19. Review status: criteria provided, single submitter. Criteria: Ambry Variant Classification Scheme 2023. Collection method: clinical testing. Allele origin: germline.
Comment: The p.I652F variant (also known as c.1954A>T), located in coding exon 17 of the LZTR1 gene, results from an A to T substitution at nucleotide position 1954. The isoleucine at codon 652 is replaced by phenylalanine, an amino acid with highly similar properties. This amino acid position is conserved. In addition, this alteration is predicted to be tolerated by in silico analysis. Based on the available evidence, the clinical significance of this variant remains unclear.

Labcorp Genetics (formerly Invitae), Labcorp
Classification: Uncertain significance. Last evaluated: 2024-06-08. Review status: criteria provided, single submitter. Criteria: Invitae Variant Classification Sherloc (09022015). Collection method: clinical testing. Allele origin: germline.
Comment: This sequence change replaces isoleucine, which is neutral and non-polar, with phenylalanine, which is neutral and non-polar, at codon 652 of the LZTR1 protein (p.Ile652Phe). This variant is not present in population databases (gnomAD no frequency). This variant has not been reported in the literature in individuals affected with LZTR1-related conditions. Advanced modeling of protein sequence and biophysical properties (such as structural, functional, and spatial information, amino acid conservation, physicochemical variation, residue mobility, and thermodynamic stability) performed at Invitae indicates that this missense variant is not expected to disrupt LZTR1 protein function with a negative predictive value of 80%. Algorithms developed to predict the effect of sequence changes on RNA splicing suggest that this variant may disrupt the consensus splice site. In summary, the available evidence is currently insufficient to determine the role of this variant in disease. Therefore, it has been classified as a Variant of Uncertain Significance.

NM_006767.4(LZTR1):c.1954A>T (p.Ile652Phe)

Gene: LZTR1 (leucine zipper like post translational regulator 1; plus strand). Cytogenetic location: 22q11.21.
Variant type: single nucleotide variant.
Coding change: c.1954A>T on transcript NM_006767.4 (MANE Select); coding-DNA position 1954, A replaced by T.
Protein change: p.Ile652Phe; replaces isoleucine 652 with phenylalanine.
Molecular consequence: missense variant.
Genome position (GRCh38, 1-based): chr22:20,995,757, A>T. VCF-style: chr22-20995757-A-T. GRCh37 (hg19) VCF-style: chr22-21350046-A-T.
Other names: short protein forms I652F.
Identifiers: ClinVar variation 3541505 (VCV003541505.3).